The following is an entry in ClinVar:

NM_000359.3(TGM1):c.2185G>A (p.Glu729Lys)

Gene: TGM1 (transglutaminase 1; minus strand). Cytogenetic location: 14q12.
Variant type: single nucleotide variant.
Coding change: c.2185G>A on transcript NM_000359.3 (MANE Select); coding-DNA position 2185, G replaced by A.
Protein change: p.Glu729Lys; replaces glutamic acid 729 with lysine.
Molecular consequence: missense variant.
Genome position (GRCh38, 1-based): chr14:24,254,192, C>T on the plus strand (G>A on the coding strand, the complement: TGM1 is on the minus strand). VCF-style: chr14-24254192-C-T. GRCh37 (hg19) VCF-style: chr14-24723398-C-T.
Other names: c.2185G>A (NM_000359.2); short protein forms E729K.
Identifiers: ClinVar variation 991481 (VCV000991481.3), dbSNP rs745826502, ClinGen allele CA7130860.

ClinVar aggregate classification (germline): Uncertain significance. Review status: criteria provided, multiple submitters, no conflicts (2 of 4 stars). 3 submissions from 3 submitters: Uncertain significance (2). 1 of the submissions does not count toward it. Last evaluated 2024-09-03.

Conditions:
Autosomal recessive congenital ichthyosis 1 (LI1). Also called: ICHTHYOSIS, CONGENITAL, AUTOSOMAL RECESSIVE 1, WITH BATHING SUIT DISTRIBUTION; ICHTHYOSIS, CONGENITAL, AUTOSOMAL RECESSIVE 1, WITH OR WITHOUT BATHING SUIT DISTRIBUTION; COLLODION FETUS; DESQUAMATION OF NEWBORN; ICHTHYOSIS CONGENITA; ICHTHYOSIS CONGENITA II. Identifiers: MedGen C4551630, MONDO:0009441, OMIM 242300.
Inborn genetic diseases. Identifiers: MedGen C0950123, MeSH D030342.

Allele frequency attached by ClinVar (database versions not stated): ExAC 0.00001; gnomAD 0.00001; TOPMed 0.00002.
gnomAD v4.1: 8 of 1,613,338 alleles (0.0005%); highest among the groups gnomAD compares: Admixed American, 0.0017%; no homozygotes.

Submissions (3):

Ambry Genetics
Classification: Uncertain significance for Inborn genetic diseases. Last evaluated: 2024-09-03. Review status: criteria provided, single submitter. Criteria: Ambry Variant Classification Scheme 2023. Collection method: clinical testing. Allele origin: germline.

GeneDx
Classification: Uncertain significance. Last evaluated: 2022-11-02. Review status: criteria provided, single submitter. Criteria: GeneDx Variant Classification Process June 2021. Collection method: clinical testing. Allele origin: germline. Affected: yes.
Comment: Observed with a pathogenic variant, p.(R323Q), on the opposite allele (in trans), as well as another pathogenic variant, p.(Q586*), on the same allele (in cis) in a patient in published literature with self-improving collodion ichthyosis (Diep et al., 2020); Not observed at significant frequency in large population cohorts (gnomAD); In silico analysis supports that this missense variant has a deleterious effect on protein structure/function; This variant is associated with the following publications: (PMID: 32105361)

Natera, Inc.
Classification: Uncertain significance for Autosomal recessive congenital ichthyosis type 1. Last evaluated: 2020-04-17. Review status: no assertion criteria provided. Collection method: clinical testing. Allele origin: germline. Not counted in ClinVar's aggregate classification.